The following is an entry in ClinVar:

ClinVar aggregate classification (germline): Uncertain significance. Review status: criteria provided, multiple submitters, no conflicts (2 of 4 stars). 5 submissions from 5 submitters: Uncertain significance (5). Last evaluated 2025-11-28.

Conditions:
Gilbert syndrome. Also called: HYPERBILIRUBINEMIA, GILBERT TYPE; HYPERBILIRUBINEMIA I; HYPERBILIRUBINEMIA, ARIAS TYPE; Gilbert Disease; Gilbert's syndrome. Identifiers: MedGen C0017551, MONDO:0007745, OMIM 143500.
Crigler-Najjar syndrome type 1. Also called: HYPERBILIRUBINEMIA, CRIGLER-NAJJAR TYPE I. Identifiers: Orphanet 79234, MedGen C0010324, MONDO:0021020, OMIM 218800.
Crigler-Najjar syndrome, type II. Also called: HYPERBILIRUBINEMIA, CRIGLER-NAJJAR TYPE II; Crigler Najjar syndrome, type 2; Mutation in the UDP-glucuronosyl-transferase gene. Identifiers: Orphanet 205, Orphanet 79235, MedGen C2931132, MONDO:0011725, OMIM 606785.
Lucey-Driscoll syndrome (HBLRTFN). Also called: Transient familial neonatal hyperbilirubinemia. Identifiers: Orphanet 2312, MedGen C0270210, MONDO:0009383, OMIM 237900.
UGT1A1-related disorder. Also called: UGT1A1-related disorders; UGT1A1-related condition.

Allele frequency attached by ClinVar (database versions not stated): gnomAD 0.00004 and 0.00005; TOPMed 0.00004; gnomAD exomes 0.00005; ExAC 0.00007; ESP Exome Variant Server 0.00008.
gnomAD v4.1: 63 of 1,614,176 alleles (0.0039%); highest among the groups gnomAD compares: Middle Eastern, 0.13%; 1 homozygote.

Submissions (5):

Labcorp Genetics (formerly Invitae), Labcorp
Classification: Uncertain significance. Last evaluated: 2025-11-28. Review status: criteria provided, single submitter. Criteria: Invitae Variant Classification Sherloc (09022015). Collection method: clinical testing. Allele origin: germline.
Comment: This sequence change replaces isoleucine, which is neutral and non-polar, with valine, which is neutral and non-polar, at codon 215 of the UGT1A1 protein (p.Ile215Val). This variant is present in population databases (rs144398951, gnomAD 0.01%). This variant has not been reported in the literature in individuals affected with UGT1A1-related conditions. ClinVar contains an entry for this variant (Variation ID: 1416456). Invitae Evidence Modeling of protein sequence and biophysical properties (such as structural, functional, and spatial information, amino acid conservation, physicochemical variation, residue mobility, and thermodynamic stability) indicates that this missense variant is not expected to disrupt UGT1A1 protein function with a negative predictive value of 80%. In summary, the available evidence is currently insufficient to determine the role of this variant in disease. Therefore, it has been classified as a Variant of Uncertain Significance.

PreventionGenetics, part of Exact Sciences
Classification: Uncertain significance for UGT1A1-related condition. Last evaluated: 2025-09-05. Review status: criteria provided, single submitter. Criteria: ACMG Guidelines, 2015. Collection method: clinical testing. Allele origin: germline.
Comment: The UGT1A1 c.643A>G variant is predicted to result in the amino acid substitution p.Ile215Val. This variant has been observed with the (TA)7 allele in a healthy control with normal bilirubin levels (Rodrigues et al. 2012. PMID: 22325916). This variant is reported in 0.013% of alleles in individuals of South Asian descent in gnomAD. At this time, the clinical significance of this variant is uncertain due to the absence of conclusive functional and genetic evidence.

Revvity Omics, Revvity
Classification: Uncertain significance. Last evaluated: 2023-10-17. Review status: criteria provided, single submitter. Criteria: ACMG Guidelines, 2015. Collection method: clinical testing. Allele origin: germline.

ARUP Laboratories, Molecular Genetics and Genomics, ARUP Laboratories
Classification: Uncertain significance. Last evaluated: 2022-12-13. Review status: criteria provided, single submitter. Criteria: ARUP Molecular Germline Variant Investigation Process 2024. Collection method: clinical testing. Allele origin: germline.
Comment: The UGT1A1 c.643A>G; p.Ile215Val variant (rs144398951) is reported in the literature in a healthy individual with normal bilirubin levels that also carried one copy of the (TA)7 allele (Rodriguez 2012). This variant is found in the general population with an overall allele frequency of 0.005% (13/251490 alleles) in the Genome Aggregation Database. The isoleucine at codon 215 is weakly conserved, and computational analyses predict that this variant is neutral (REVEL: 0.08). However, due to limited information, the clinical significance of the p.Ile215Val variant is uncertain at this time. References: Rodrigues C et al. Impact of UGT1A1 gene variants on total bilirubin levels in Gilbert syndrome patients and in healthy subjects. Blood Cells Mol Dis. 2012 Mar 15;48(3):166-72. PMID: 22325916.

Department of Pathology and Laboratory Medicine, Sinai Health System
Classification: Uncertain significance for Gilbert syndrome; Crigler-Najjar syndrome type 1; Lucey-Driscoll syndrome; Crigler-Najjar syndrome, type II. Last evaluated: 2022-04-08. Review status: criteria provided, single submitter. Criteria: ACMG Guidelines, 2015. Collection method: research. Allele origin: germline.

NM_000463.3(UGT1A1):c.643A>G (p.Ile215Val)

Genes: UGT1A8 (UDP glucuronosyltransferase family 1 member A8; plus strand), UGT1A9 (UDP glucuronosyltransferase family 1 member A9; plus strand), UGT1A (UDP glucuronosyltransferase family 1 member A complex locus; plus strand), UGT1A1 (UDP glucuronosyltransferase family 1 member A1; plus strand), UGT1A10 (UDP glucuronosyltransferase family 1 member A10; plus strand) and 5 more. Cytogenetic location: 2q37.1.
Variant type: single nucleotide variant.
Coding change: c.643A>G on transcript NM_000463.3 (MANE Select); coding-DNA position 643, A replaced by G.
Protein change: p.Ile215Val; replaces isoleucine 215 with valine.
Molecular consequence: missense variant. On other transcripts: intron variant (9).
Genome position (GRCh38, 1-based): chr2:233,760,930, A>G. VCF-style: chr2-233760930-A-G. GRCh37 (hg19) VCF-style: chr2-234669576-A-G.
Other names: c.856-6104A>G (NM_019076.5, NM_019075.4, NM_021027.3 and 1 more transcripts); c.61-6104A>G (NM_205862.3); c.862-6104A>G (NM_001072.4); c.868-6104A>G (NM_019078.2, NM_007120.3, NM_019093.4); short protein forms I215V.
Identifiers: ClinVar variation 1416456 (VCV001416456.13), dbSNP rs144398951, ClinGen allele CA2179861.